The following is an entry in ClinVar:

ClinVar aggregate classification (germline): Uncertain significance (1 of 4 stars; one submission).

gnomAD v4.1: 8 of 1,207,411 alleles (0.00066%); highest among the groups gnomAD compares: African/African-American, 0.01%; no homozygotes.

Submission:

Labcorp Genetics (formerly Invitae), Labcorp
Classification: Uncertain significance. Last evaluated: 2025-12-15. Review status: criteria provided, single submitter. Criteria: Invitae Variant Classification Sherloc (09022015). Collection method: clinical testing. Allele origin: germline.
Comment: This sequence change replaces lysine, which is basic and polar, with arginine, which is basic and polar, at codon 378 of the MBTPS2 protein (p.Lys378Arg). This variant is present in population databases (no rsID available, gnomAD 0.007%). This variant has not been reported in the literature in individuals affected with MBTPS2-related conditions. Invitae Evidence Modeling of protein sequence and biophysical properties (such as structural, functional, and spatial information, amino acid conservation, physicochemical variation, residue mobility, and thermodynamic stability) indicates that this missense variant is not expected to disrupt MBTPS2 protein function with a negative predictive value of 95%. In summary, the available evidence is currently insufficient to determine the role of this variant in disease. Therefore, it has been classified as a Variant of Uncertain Significance.

NM_015884.4(MBTPS2):c.1133A>G (p.Lys378Arg)

Gene: MBTPS2 (membrane bound transcription factor peptidase, site 2; plus strand). Cytogenetic location: Xp22.12.
Variant type: single nucleotide variant.
Coding change: c.1133A>G on transcript NM_015884.4 (MANE Select); coding-DNA position 1133, A replaced by G.
Protein change: p.Lys378Arg; replaces lysine 378 with arginine.
Molecular consequence: missense variant.
Genome position (GRCh38, 1-based): chrX:21,878,564, A>G. VCF-style: chrX-21878564-A-G. GRCh37 (hg19) VCF-style: chrX-21896682-A-G.
Other names: short protein forms K378R.
Identifiers: ClinVar variation 4694241 (VCV004694241.1).